The following is an entry in ClinVar:

NM_017852.5(NLRP2):c.1020C>A (p.Ala340=)

Gene: NLRP2 (NLR family pyrin domain containing 2; plus strand). Cytogenetic location: 19q13.42.
Variant type: single nucleotide variant.
Coding change: c.1020C>A on transcript NM_017852.5 (MANE Select); coding-DNA position 1020, C replaced by A.
Protein change: p.Ala340=; no amino-acid change (alanine 340 retained).
Molecular consequence: synonymous variant. On other transcripts: non-coding transcript variant (1).
Genome position (GRCh38, 1-based): chr19:54,982,718, C>A. VCF-style: chr19-54982718-C-A. GRCh37 (hg19) VCF-style: chr19-55494086-C-A.
Other names: c.1020C>A, p.Ala340= (NM_001174081.3); c.954C>A, p.Ala318= (NM_001174082.3); c.951C>A, p.Ala317= (NM_001174083.2); c.1011C>A, p.Ala337= (NM_001348003.2); c.1020C>A (NM_001174081.2).
Identifiers: ClinVar variation 103047 (VCV000103047.4), dbSNP rs199475713, ClinGen allele CA230017.

ClinVar aggregate classification (germline): Likely benign. Review status: no assertion criteria provided (0 of 4 stars). 2 submissions from 2 submitters: Likely benign (1). 1 of the submissions does not count toward it. Last evaluated 2019-03-26.

Conditions:
NLRP2-related disorder. Also called: NLRP2-related condition.

Allele frequency attached by ClinVar (database versions not stated): gnomAD 0.00005; TOPMed 0.00008.
gnomAD v4.1: 94 of 1,614,024 alleles (0.0058%); highest among the groups gnomAD compares: East Asian, 0.071%; no homozygotes.

Submissions (2):

PreventionGenetics, part of Exact Sciences
Classification: Likely benign for NLRP2-related condition. Last evaluated: 2019-03-26. Review status: no assertion criteria provided. Collection method: clinical testing. Allele origin: germline.
Comment: This variant is classified as likely benign based on ACMG/AMP sequence variant interpretation guidelines (Richards et al. 2015 PMID: 25741868, with internal and published modifications).

Human Evolutionary Genetics, Institut Pasteur
No classification provided. Review status: no classification provided. Collection method: not provided. Allele origin: germline. Not counted in ClinVar's aggregate classification.
ClinVar note: Converted during submission from untested to not provided.